The following is an entry in ClinVar:

NM_001377.3(DYNC2H1):c.11493+2T>A

Gene: DYNC2H1 (dynein cytoplasmic 2 heavy chain 1; plus strand). Cytogenetic location: 11q22.3.
Variant type: single nucleotide variant.
Coding change: c.11493+2T>A on transcript NM_001377.3 (MANE Select); the canonical splice donor site of the intron after coding-DNA position 11493, T replaced by A.
Molecular consequence: splice donor variant.
Genome position (GRCh38, 1-based): chr11:103,307,833, T>A. VCF-style: chr11-103307833-T-A. GRCh37 (hg19) VCF-style: chr11-103178562-T-A.
Other names: c.11514+2T>A (NM_001080463.2).
Identifiers: ClinVar variation 489251 (VCV000489251.11), dbSNP rs1555096711, ClinGen allele CA382262231.

ClinVar aggregate classification (germline): Likely pathogenic. Review status: criteria provided, multiple submitters, no conflicts (2 of 4 stars). 2 submissions from 2 submitters: Likely pathogenic (2). Last evaluated 2022-08-23.

Conditions:
Jeune thoracic dystrophy. Also called: Short-rib thoracic dysplasia; Jeune syndrome; Infantile thoracic dystrophy; Thoracic pelvic phalangeal dystrophy; Jeune's syndrome; Chondroectodermal dysplasia-like syndrome. Identifiers: Orphanet 474, MedGen C0265275, MONDO:0018770.

Submissions (2):

Labcorp Genetics (formerly Invitae), Labcorp
Classification: Likely pathogenic for Jeune thoracic dystrophy. Last evaluated: 2022-08-23. Review status: criteria provided, single submitter. Criteria: Invitae Variant Classification Sherloc (09022015). Collection method: clinical testing. Allele origin: germline.
Comment: In summary, the currently available evidence indicates that the variant is pathogenic, but additional data are needed to prove that conclusively. Therefore, this variant has been classified as Likely Pathogenic. Algorithms developed to predict the effect of sequence changes on RNA splicing suggest that this variant may disrupt the consensus splice site. ClinVar contains an entry for this variant (Variation ID: 489251). Disruption of this splice site has been observed in individual(s) with Jeune syndrome (Invitae). This variant is not present in population databases (gnomAD no frequency). This sequence change affects a donor splice site in intron 79 of the DYNC2H1 gene. It is expected to disrupt RNA splicing. Variants that disrupt the donor or acceptor splice site typically lead to a loss of protein function (PMID: 16199547), and loss-of-function variants in DYNC2H1 are known to be pathogenic (PMID: 23339108, 32753734).

GeneDx
Classification: Likely pathogenic. Last evaluated: 2017-12-11. Review status: criteria provided, single submitter. Criteria: GeneDx Variant Classification (06012015). Collection method: clinical testing. Allele origin: germline. Affected: yes.
Comment: The c.11514+2 T>A splice site variant in the DYNC2H1 gene destroys the canonical splice donor site in intron 79. It is predicted to cause abnormal gene splicing, either leading to an abnormal message that is subject to nonsense-mediated mRNA decay, or to an abnormal protein product if the message is used for protein translation. The c.11514+2 T>A variant is not observed in large population cohorts (Lek et al., 2016). Although this pathogenic variant has not been previously reported to our knowledge, we consider it to be a likely pathogenic variant; however, the possibility that it is benign cannot be excluded.

Literature cited by the submitters: PubMed 16199547 (cited by Labcorp Genetics (formerly Invitae), Labcorp); PubMed 23339108 (cited by Labcorp Genetics (formerly Invitae), Labcorp); PubMed 32753734 (cited by Labcorp Genetics (formerly Invitae), Labcorp).